The following is an entry in ClinVar:

NM_001094.5(ASIC2):c.407C>T (p.Ala136Val)

Genes: ASIC2 (acid sensing ion channel subunit 2; minus strand), LOC105371735 (uncharacterized LOC105371735; plus strand). Cytogenetic location: 17q12.
Variant type: single nucleotide variant.
Coding change: c.407C>T on transcript NM_001094.5; coding-DNA position 407, C replaced by T.
Protein change: p.Ala136Val; replaces alanine 136 with valine.
Molecular consequence: missense variant. On other transcripts: non-coding transcript variant (1).
Genome position (GRCh38, 1-based): chr17:34,156,126, G>A on the plus strand (C>T on the coding strand, the complement: ASIC2 is on the minus strand). VCF-style: chr17-34156126-G-A. GRCh37 (hg19) VCF-style: chr17-32483145-G-A.
Other names: short protein forms A136V.
Identifiers: ClinVar variation 4154647 (VCV004154647.1).

ClinVar aggregate classification (germline): Uncertain significance (1 of 4 stars; one submission).

gnomAD v4.1: 2 of 1,614,104 alleles (0.00012%); highest among the groups gnomAD compares: Admixed American, 0.0033%; no homozygotes.

Submission:

Ambry Genetics
Classification: Uncertain significance. Last evaluated: 2025-08-23. Review status: criteria provided, single submitter. Criteria: Ambry Variant Classification Scheme 2023. Collection method: clinical testing. Allele origin: germline.
Comment: The c.407C>T (p.A136V) alteration is located in exon (coding exon ) of the ASIC2 gene. This alteration results from a C to T substitution at nucleotide position 407, causing the alanine (A) at amino acid position 136 to be replaced by a valine (V). Based on insufficient or conflicting evidence, the clinical significance of this alteration remains unclear.